The following is an entry in ClinVar:

NM_006158.5(NEFL):c.968G>C (p.Arg323Pro)

Gene: NEFL (neurofilament light chain; minus strand). Cytogenetic location: 8p21.2.
Variant type: single nucleotide variant.
Coding change: c.968G>C on transcript NM_006158.5 (MANE Select); coding-DNA position 968, G replaced by C.
Protein change: p.Arg323Pro; replaces arginine 323 with proline.
Molecular consequence: missense variant.
Genome position (GRCh38, 1-based): chr8:24,955,548, C>G on the plus strand (G>C on the coding strand, the complement: NEFL is on the minus strand). VCF-style: chr8-24955548-C-G. GRCh37 (hg19) VCF-style: chr8-24813062-C-G.
Other names: short protein forms R323P.
Identifiers: ClinVar variation 220372 (VCV000220372.11), dbSNP rs864622499, ClinGen allele CA350731.

ClinVar aggregate classification (germline): Conflicting classifications of pathogenicity. Review status: criteria provided, conflicting classifications (1 of 4 stars). 4 submissions from 4 submitters: Pathogenic (1); Uncertain significance (3). Last evaluated 2026-03-17.

Conditions:
Charcot-Marie-Tooth disease type 2E (CMT2E). Also called: CHARCOT-MARIE-TOOTH DISEASE, AXONAL, TYPE 2E; CHARCOT-MARIE-TOOTH NEUROPATHY, TYPE 2E. Identifiers: Orphanet 99939, MedGen C1843225, MONDO:0011894, OMIM 607684.
Inborn genetic diseases. Identifiers: MedGen C0950123, MeSH D030342.

Submissions (4):

GeneDx
Classification: Uncertain significance. Last evaluated: 2026-03-17. Review status: criteria provided, single submitter. Criteria: GeneDx Variant Classification Process June 2021. Collection method: clinical testing. Allele origin: germline.
Comment: Not observed at significant frequency in large population cohorts (gnomAD); In silico analysis supports that this missense variant has a deleterious effect on protein structure/function; Has not been previously published as pathogenic or benign to our knowledge

Labcorp Genetics (formerly Invitae), Labcorp
Classification: Pathogenic for Charcot-Marie-Tooth disease type 2E. Last evaluated: 2025-11-12. Review status: criteria provided, single submitter. Criteria: Invitae Variant Classification Sherloc (09022015). Collection method: clinical testing. Allele origin: germline.
Comment: This sequence change replaces arginine, which is basic and polar, with proline, which is neutral and non-polar, at codon 323 of the NEFL protein (p.Arg323Pro). This variant is not present in population databases (gnomAD no frequency). This missense change has been observed in individuals with clinical features of autosomal dominant Charcot-Marie-Tooth disease (internal data). It has also been observed to segregate with disease in related individuals. ClinVar contains an entry for this variant (Variation ID: 220372). Invitae Evidence Modeling of protein sequence and biophysical properties (such as structural, functional, and spatial information, amino acid conservation, physicochemical variation, residue mobility, and thermodynamic stability) indicates that this missense variant is expected to disrupt NEFL protein function with a positive predictive value of 80%. For these reasons, this variant has been classified as Pathogenic.

Ambry Genetics
Classification: Uncertain significance for Inborn genetic diseases. Last evaluated: 2022-03-20. Review status: criteria provided, single submitter. Criteria: Ambry Variant Classification Scheme 2023. Collection method: clinical testing. Allele origin: germline.
Comment: The p.R323P variant (also known as c.968G>C), located in coding exon 1 of the NEFL gene, results from a G to C substitution at nucleotide position 968. The arginine at codon 323 is replaced by proline, an amino acid with dissimilar properties. This amino acid position is conserved. In addition, this alteration is predicted to be deleterious by in silico analysis. Since supporting evidence is limited at this time, the clinical significance of this alteration remains unclear.

Athena Diagnostics
Classification: Uncertain significance. Last evaluated: 2016-09-21. Review status: criteria provided, single submitter. Criteria: Athena Diagnostics Criteria. Collection method: clinical testing. Allele origin: germline.